The following is an entry in ClinVar:

NM_004999.4(MYO6):c.3391C>T (p.Pro1131Ser)

Gene: MYO6 (myosin VI; plus strand). Cytogenetic location: 6q14.1.
Variant type: single nucleotide variant.
Coding change: c.3391C>T on transcript NM_004999.4 (MANE Select); coding-DNA position 3391, C replaced by T.
Protein change: p.Pro1131Ser; replaces proline 1131 with serine.
Molecular consequence: missense variant. On other transcripts: non-coding transcript variant (1).
Genome position (GRCh38, 1-based): chr6:75,908,606, C>T. VCF-style: chr6-75908606-C-T. GRCh37 (hg19) VCF-style: chr6-76618323-C-T.
Other names: c.3322C>T, p.Pro1108Ser (NM_001300899.2, NM_001368136.1); c.3379C>T, p.Pro1127Ser (NM_001368137.1); c.3307C>T, p.Pro1103Ser (NM_001368138.1); c.3418C>T, p.Pro1140Ser (NM_001368865.1, NM_001368866.1); short protein forms P1131S, P1103S, P1140S, P1108S, P1127S.
Identifiers: ClinVar variation 164646 (VCV000164646.7), dbSNP rs727503327, ClinGen allele CA177360.
Genomic context (GRCh38, chr6:75,908,606, plus strand): 5'-GTGTATCATGCTTGGAAATCTAAGAACAAGAAGAGAAATACTGAAACAGAGCAACGTGCT[C>T]CAAAGTCTGTTACTGATTATGGTAAAGAGAAATCTGTACTTTTGAACGTTTTAAAATATA-3'
Protein context (NP_004990.3, residues 1121-1141): KRNTETEQRA[Pro1131Ser]KSVTDYDFAP

ClinVar aggregate classification (germline): Conflicting classifications of pathogenicity. Review status: criteria provided, conflicting classifications (1 of 4 stars). 4 submissions from 4 submitters: Likely pathogenic (1); Uncertain significance (3). Last evaluated 2025-11-18.

Conditions:
MYO6-related disorder. Also called: MYO6-related condition; MYO6-related disorders.

Allele frequency attached by ClinVar (database versions not stated): gnomAD exomes below 0.00001 and 0.00002.
gnomAD v4.1: 28 of 1,613,378 alleles (0.0017%); highest among the groups gnomAD compares: Non-Finnish European, 0.002%; no homozygotes.

Submissions (4):

Labcorp Genetics (formerly Invitae), Labcorp
Classification: Uncertain significance. Last evaluated: 2025-11-18. Review status: criteria provided, single submitter. Criteria: Invitae Variant Classification Sherloc (09022015). Collection method: clinical testing. Allele origin: germline.
Comment: This sequence change replaces proline, which is neutral and non-polar, with serine, which is neutral and polar, at codon 1131 of the MYO6 protein (p.Pro1131Ser). This variant is present in population databases (rs727503327, gnomAD 0.0009%). This missense change has been observed in individual(s) with deafness (PMID: 26969326, 34387732). ClinVar contains an entry for this variant (Variation ID: 164646). Invitae Evidence Modeling of protein sequence and biophysical properties (such as structural, functional, and spatial information, amino acid conservation, physicochemical variation, residue mobility, and thermodynamic stability) indicates that this missense variant is not expected to disrupt MYO6 protein function with a negative predictive value of 80%. In summary, the available evidence is currently insufficient to determine the role of this variant in disease. Therefore, it has been classified as a Variant of Uncertain Significance.

PreventionGenetics, part of Exact Sciences
Classification: Uncertain significance for MYO6-related condition. Last evaluated: 2025-02-11. Review status: criteria provided, single submitter. Criteria: ACMG Guidelines, 2015. Collection method: clinical testing. Allele origin: germline.
Comment: The MYO6 c.3391C>T variant is predicted to result in the amino acid substitution p.Pro1131Ser. This variant was reported in the heterozygous state without a second potentially causative variant in three individuals and in the homozygous state along with a likely pathogenic truncating MYO6 variant in one individual with hearing loss (Table S3, Sloan-Heggen et al. 2016. PubMed ID: 26969326; Cruz Marino et al. 2021. PubMed ID: 34387732). This variant is reported in 0.00088% of alleles in individuals of European (Non-Finnish) descent in gnomAD. At this time, the clinical significance of this variant is uncertain due to the absence of conclusive functional and genetic evidence.

Blueprint Genetics
Classification: Likely pathogenic for MYO6-related disorders. Last evaluated: 2021-04-21. Review status: criteria provided, single submitter. Criteria: ACMG Guidelines, 2015. Collection method: clinical testing. Allele origin: germline. Affected: yes. Observed: 1 variant allele.

Laboratory for Molecular Medicine, Mass General Brigham Personalized Medicine
Classification: Uncertain significance. Last evaluated: 2014-01-27. Review status: criteria provided, single submitter. Criteria: LMM Criteria. Collection method: clinical testing. Allele origin: germline. Observed: 1 variant allele.
Comment: The Pro1131Ser variant in MYO6 has not been previously reported in individuals w ith hearing loss or in large population studies. Computational analyses (biochem ical amino acid properties, conservation, AlignGVGD, PolyPhen2, and SIFT) do not provide strong support for or against an impact to the protein. In summary, add itional information is needed to fully assess the clinical significance of this variant.

Literature cited by the submitters: PubMed 26969326 (cited by Labcorp Genetics (formerly Invitae), Labcorp); PubMed 34387732 (cited by Labcorp Genetics (formerly Invitae), Labcorp).